The following is an entry in ClinVar:

NM_000503.6(EYA1):c.1604_1607del (p.Glu535fs)

Gene: EYA1 (EYA transcriptional coactivator and phosphatase 1; minus strand). Cytogenetic location: 8q13.3.
Variant type: Microsatellite.
Coding change: c.1604_1607del on transcript NM_000503.6 (MANE Select); coding-DNA positions 1604 to 1607, 4 bases deleted (AAAG; older notation c.1604_1607delAAAG).
Protein change: p.Glu535fs; shifts the reading frame from glutamic acid 535.
Molecular consequence: frameshift variant.
Genome position (GRCh38, 1-based): chr8:71,211,247-71,211,250, CTTT deleted on the plus strand (AAAG on the coding strand, the reverse complement: EYA1 is on the minus strand); deleting any 4 consecutive bases within chr8:71,211,247-71,211,254 gives the same sequence; the c. name uses the placement nearest the transcript's 3' end. VCF-style (leftmost placement, unchanged base first): chr8-71211246-GCTTT-G. GRCh37 (hg19) VCF-style: chr8-72123481-GCTTT-G.
Other names: c.1586_1589del, p.Glu529fs (NM_001288574.2, NM_172059.5); c.1238_1241del, p.Glu413fs (NM_001288575.2); c.1691_1694del, p.Glu564fs (NM_001370333.1); c.1604_1607del, p.Glu535fs (NM_001370334.1, NM_001370335.1, NM_172058.4); c.1583_1586del, p.Glu528fs (NM_001370336.1); c.1505_1508del, p.Glu502fs (NM_001411797.1, NM_172060.4); short protein forms E413fs, E502fs, E528fs, E529fs, E535fs, E564fs.
Identifiers: ClinVar variation 5018488 (VCV005018488.1).

ClinVar aggregate classification (germline): Pathogenic (1 of 4 stars; one submission).

Conditions:
Monogenic hearing loss.

Submission:

Genetics Laboratory, Great Ormond Street Hospital NHS Foundation Trust, North Thames Genomic Laboratory Hub
Classification: Pathogenic for Monogenic hearing loss. Last evaluated: 2026-08-15. Review status: criteria provided, single submitter. Criteria: ACGS Best Practice Guidelines for Variant Classification in Rare Disease 2024 v1.2. Collection method: clinical testing. Allele origin: germline. Affected: yes.
Comment: PM2_moderate, PVS1_very-strong